The following is an entry in ClinVar:

ClinVar aggregate classification (germline): Uncertain significance (1 of 4 stars; one submission).

Conditions:
Immunodeficiency 28 (IMD28). Also called: IFNGR2 DEFICIENCY. Identifiers: Orphanet 319547, Orphanet 319574, MedGen C4013947, MONDO:0013953, OMIM 614889.

Submission:

Labcorp Genetics (formerly Invitae), Labcorp
Classification: Uncertain significance for Immunodeficiency 28. Last evaluated: 2021-09-01. Review status: criteria provided, single submitter. Criteria: Invitae Variant Classification Sherloc (09022015). Collection method: clinical testing. Allele origin: germline.
Comment: This sequence change replaces serine with phenylalanine at codon 28 of the IFNGR2 protein (p.Ser28Phe). The serine residue is highly conserved and there is a large physicochemical difference between serine and phenylalanine. This variant is not present in population databases (ExAC no frequency). This variant has not been reported in the literature in individuals affected with IFNGR2-related conditions. Algorithms developed to predict the effect of missense changes on protein structure and function output the following: SIFT: "Deleterious"; PolyPhen-2: "Not Available"; Align-GVGD: "Class C25". The phenylalanine amino acid residue is found in multiple mammalian species, which suggests that this missense change does not adversely affect protein function. In summary, the available evidence is currently insufficient to determine the role of this variant in disease. Therefore, it has been classified as a Variant of Uncertain Significance.

NM_005534.4(IFNGR2):c.83C>T (p.Ser28Phe)

Gene: IFNGR2 (interferon gamma receptor 2; plus strand). Cytogenetic location: 21q22.11.
Variant type: single nucleotide variant.
Coding change: c.83C>T on transcript NM_005534.4 (MANE Select); coding-DNA position 83, C replaced by T.
Protein change: p.Ser28Phe; replaces serine 28 with phenylalanine.
Molecular consequence: missense variant.
Genome position (GRCh38, 1-based): chr21:33,414,897, C>T. VCF-style: chr21-33414897-C-T. GRCh37 (hg19) VCF-style: chr21-34787204-C-T.
Other names: c.140C>T, p.Ser47Phe (NM_001329128.2); short protein forms S28F, S47F.
Identifiers: ClinVar variation 943609 (VCV000943609.7), dbSNP rs2083743038, ClinGen allele CA410115160.